The following is an entry in ClinVar:

ClinVar aggregate classification (germline): Uncertain significance (1 of 4 stars; one submission).

Conditions:
Hereditary cancer-predisposing syndrome. Also called: Tumor predisposition; Hereditary neoplastic syndrome; Neoplastic Syndromes, Hereditary; Hereditary Cancer Syndrome. Identifiers: Orphanet 140162, MedGen C0027672, MeSH D009386, MONDO:0015356.

Submission:

Ambry Genetics
Classification: Uncertain significance for Hereditary cancer-predisposing syndrome. Last evaluated: 2021-08-13. Review status: criteria provided, single submitter. Criteria: Ambry Variant Classification Scheme 2023. Collection method: clinical testing. Allele origin: germline.
Comment: The p.R470P variant (also known as c.1409G>C), located in coding exon 11 of the POLD1 gene, results from a G to C substitution at nucleotide position 1409. The arginine at codon 470 is replaced by proline, an amino acid with dissimilar properties. This amino acid position is highly conserved in available vertebrate species. In addition, the in silico prediction for this alteration is inconclusive. Since supporting evidence is limited at this time, the clinical significance of this alteration remains unclear.

NM_002691.4(POLD1):c.1409G>C (p.Arg470Pro)

Gene: POLD1 (DNA polymerase delta 1, catalytic subunit; plus strand). Cytogenetic location: 19q13.33.
Variant type: single nucleotide variant.
Coding change: c.1409G>C on transcript NM_002691.4 (MANE Select); coding-DNA position 1409, G replaced by C.
Protein change: p.Arg470Pro; replaces arginine 470 with proline.
Molecular consequence: missense variant. On other transcripts: non-coding transcript variant (1).
Genome position (GRCh38, 1-based): chr19:50,406,432, G>C. VCF-style: chr19-50406432-G-C. GRCh37 (hg19) VCF-style: chr19-50909689-G-C.
Other names: c.1409G>C, p.Arg470Pro (NM_001256849.1, NM_001308632.1); short protein forms R470P.
Identifiers: ClinVar variation 819141 (VCV000819141.4), dbSNP rs1601216709, ClinGen allele CA406980060.
Genomic context (GRCh38, chr19:50,406,432, plus strand): 5'-AGGCCCGCAGCCCACCAGCCCACCCACCCACCTAGGTGCTGCTGCGGGAGTACAAGCTCC[G>C]CTCCTACACGCTCAATGCCGTGAGCTTCCACTTCCTGGGCGAGCAGAAGGAGGACGTGCA-3'
Protein context (NP_002682.2, residues 460-480): LQVLLREYKL[Arg470Pro]SYTLNAVSFH